The following is an entry in ClinVar:

NM_024570.4(RNASEH2B):c.926T>A (p.Ile309Asn)

Gene: RNASEH2B (ribonuclease H2 subunit B; plus strand). Cytogenetic location: 13q14.3.
Variant type: single nucleotide variant.
Coding change: c.926T>A on transcript NM_024570.4 (MANE Select); coding-DNA position 926, T replaced by A.
Protein change: p.Ile309Asn; replaces isoleucine 309 with asparagine.
Molecular consequence: missense variant. On other transcripts: intron variant (2).
Genome position (GRCh38, 1-based): chr13:50,956,461, T>A. VCF-style: chr13-50956461-T-A. GRCh37 (hg19) VCF-style: chr13-51530597-T-A.
Other names: c.741+6956T>A (NM_001142279.2); c.742-3684T>A (NM_001411023.1); short protein forms I309N.
Identifiers: ClinVar variation 3623669 (VCV003623669.1).

ClinVar aggregate classification (germline): Uncertain significance (1 of 4 stars; one submission).

Conditions:
Aicardi-Goutieres syndrome 2. Identifiers: Orphanet 51, MedGen C3489724, MONDO:0012429, OMIM 610181.

Submission:

Labcorp Genetics (formerly Invitae), Labcorp
Classification: Uncertain significance for Aicardi-Goutieres syndrome 2. Last evaluated: 2024-07-21. Review status: criteria provided, single submitter. Criteria: Invitae Variant Classification Sherloc (09022015). Collection method: clinical testing. Allele origin: germline.
Comment: This sequence change replaces isoleucine, which is neutral and non-polar, with asparagine, which is neutral and polar, at codon 309 of the RNASEH2B protein (p.Ile309Asn). The frequency data for this variant in the population databases is considered unreliable, as metrics indicate poor data quality at this position in the gnomAD database. This variant has not been reported in the literature in individuals affected with RNASEH2B-related conditions. An algorithm developed to predict the effect of missense changes on protein structure and function outputs the following: PolyPhen-2: "Benign". The asparagine amino acid residue is found in multiple mammalian species, which suggests that this missense change does not adversely affect protein function. In summary, the available evidence is currently insufficient to determine the role of this variant in disease. Therefore, it has been classified as a Variant of Uncertain Significance.